The following is an entry in ClinVar:

ClinVar aggregate classification (germline): Benign (1 of 4 stars; one submission).

Allele frequency attached by ClinVar (database versions not stated): ESP Exome Variant Server 0.00046; 1000 Genomes Project 30x 0.00203; 1000 Genomes Project 0.00240; ExAC 0.00412.
gnomAD v4.1: 3,847 of 1,614,186 alleles (0.24%); highest among the groups gnomAD compares: East Asian, 1.7%; 57 homozygotes.

Submission:

CeGaT Center for Human Genetics Tuebingen
Classification: Benign. Last evaluated: 2024-06-01. Review status: criteria provided, single submitter. Criteria: CeGaT Center For Human Genetics Tuebingen Variant Classification Criteria Version 2. Collection method: clinical testing. Allele origin: germline. Affected: yes. Observed: 2 variant alleles.
Comment: SPTBN1: BP4, BP7, BS1, BS2

NM_003128.3(SPTBN1):c.5730A>G (p.Thr1910=)

Gene: SPTBN1 (spectrin beta, non-erythrocytic 1; plus strand). Cytogenetic location: 2p16.2.
Variant type: single nucleotide variant.
Coding change: c.5730A>G on transcript NM_003128.3 (MANE Select); coding-DNA position 5730, A replaced by G.
Protein change: p.Thr1910=; no amino-acid change (threonine 1910 retained).
Molecular consequence: synonymous variant.
Genome position (GRCh38, 1-based): chr2:54,653,761, A>G. VCF-style: chr2-54653761-A-G. GRCh37 (hg19) VCF-style: chr2-54880898-A-G.
Other names: c.5691A>G, p.Thr1897= (NM_178313.3).
Identifiers: ClinVar variation 2650929 (VCV002650929.24), dbSNP rs2271328, ClinGen allele CA1661435.
Genomic context (GRCh38, chr2:54,653,761, plus strand): 5'-GGAAGCCTGGAAGTCCCTCCTGGACGCCTGTGAGAGCCGCAGGGTGCGGCTGGTGGACAC[A>G]GGGGACAAGTTCCGCTTCTTCAGCATGGTGCGCGACCTCATGCTCTGGATGGAGGATGTC-3'
Protein context (NP_003119.2, residues 1900-1920): CESRRVRLVD[Thr1910=]GDKFRFFSMV